The following is an entry in ClinVar:

NM_139027.6(ADAMTS13):c.618G>A (p.Trp206Ter)

Gene: ADAMTS13 (ADAM metallopeptidase with thrombospondin type 1 motif 13; plus strand). Cytogenetic location: 9q34.2.
Variant type: single nucleotide variant.
Coding change: c.618G>A on transcript NM_139027.6 (MANE Select); coding-DNA position 618, G replaced by A.
Protein change: p.Trp206Ter; replaces tryptophan 206 with a stop codon.
Molecular consequence: nonsense. On other transcripts: non-coding transcript variant (1).
Genome position (GRCh38, 1-based): chr9:133,426,277, G>A. VCF-style: chr9-133426277-G-A. GRCh37 (hg19) VCF-style: chr9-136291397-G-A.
Other names: c.618G>A, p.Trp206Ter (NM_139025.5, NM_139026.6); short protein forms W206*.
Identifiers: ClinVar variation 4881571 (VCV004881571.2).
Genomic context (GRCh38, chr9:133,426,277, plus strand): 5'-TGATGGTAACCGGCAGGTGCGGGGCGTCACCCAGCTGGGCGGTGCCTGCTCCCCAACCTG[G>A]AGCTGCCTCATTACCGAGGACACTGGCTTCGACCTGGGAGTCACCATTGCCCATGAGATT-3'

ClinVar aggregate classification (germline): Likely pathogenic (1 of 4 stars; one submission).

Submission:

Dasa
Classification: Likely pathogenic. Last evaluated: 2025-05-26. Review status: criteria provided, single submitter. Criteria: DASA Assertion Criteria. Collection method: clinical testing. Allele origin: germline.
Comment: NM_139027.6(ADAMTS13):c.618G>A (p.Trp206*) is a nonsense variant in ADAMTS13 predicted to introduce a premature termination codon and is predicted to result in an absent or altered protein product. Loss of function is an established disease mechanism for ADAMTS13-associated disorders. Also, this variant is absent from population databases. Based on the currently available evidence, this variant is classified as likely pathogenic.